The following is an entry in ClinVar:

ClinVar aggregate classification (germline): Likely pathogenic (1 of 4 stars; one submission).

Submission:

Dasa
Classification: Likely pathogenic. Last evaluated: 2025-04-16. Review status: criteria provided, single submitter. Criteria: DASA Assertion Criteria. Collection method: clinical testing. Allele origin: germline.
Comment: NM_001927.4(DES):c.1A>C (p.Met1?) is a start-loss variant predicted to alter the translation initiation codon and impair normal protein translation. Loss of function is an established disease mechanism for DES-associated disorders. Also, this variant is absent from population databases. Based on the currently available evidence, this variant is classified as likely pathogenic.

NM_001927.4(DES):c.1A>C (p.Met1Leu)

Gene: DES (desmin; plus strand). Cytogenetic location: 2q35.
Variant type: single nucleotide variant.
Coding change: c.1A>C on transcript NM_001927.4 (MANE Select); coding-DNA position 1, A replaced by C.
Protein change: p.Met1Leu; changes the start codon (methionine 1).
Molecular consequence: missense variant, initiator codon variant.
Genome position (GRCh38, 1-based): chr2:219,418,463, A>C. VCF-style: chr2-219418463-A-C. GRCh37 (hg19) VCF-style: chr2-220283185-A-C.
Other names: c.1A>C, p.Met1Leu (NM_001382708.1, NM_001382709.1, NM_001382710.1 and 3 more transcripts); short protein forms M1L.
Identifiers: ClinVar variation 4882201 (VCV004882201.2).
Genomic context (GRCh38, chr2:219,418,463, plus strand): 5'-GGCCGGCCGCCTGCCCGCCGCCTCCTCCGTGCGCCCGCCAGCCTCGCCCGCGCCGTCACC[A>C]TGAGCCAGGCCTACTCGTCCAGCCAGCGCGTGTCCTCCTACCGCCGCACCTTCGGCGGGG-3'
Protein context (NP_001918.3, residues 1-11): [Met1Leu]SQAYSSSQRV